The following is an entry in ClinVar:

NM_199420.4(POLQ):c.6923T>C (p.Met2308Thr)

Gene: POLQ (DNA polymerase theta; minus strand). Cytogenetic location: 3q13.33.
Variant type: single nucleotide variant.
Coding change: c.6923T>C on transcript NM_199420.4 (MANE Select); coding-DNA position 6923, T replaced by C.
Protein change: p.Met2308Thr; replaces methionine 2308 with threonine.
Molecular consequence: missense variant.
Genome position (GRCh38, 1-based): chr3:121,467,563, A>G on the plus strand (T>C on the coding strand, the complement: POLQ is on the minus strand). VCF-style: chr3-121467563-A-G. GRCh37 (hg19) VCF-style: chr3-121186410-A-G.
Other names: short protein forms M2308T.
Identifiers: ClinVar variation 3422413 (VCV003422413.1).

ClinVar aggregate classification (germline): Uncertain significance (1 of 4 stars; one submission).

Submission:

Ambry Genetics
Classification: Uncertain significance. Last evaluated: 2024-08-07. Review status: criteria provided, single submitter. Criteria: Ambry Variant Classification Scheme 2023. Collection method: clinical testing. Allele origin: germline.
Comment: The p.M2308T variant (also known as c.6923T>C), located in coding exon 24 of the POLQ gene, results from a T to C substitution at nucleotide position 6923. The methionine at codon 2308 is replaced by threonine, an amino acid with similar properties. This amino acid position is conserved. In addition, this alteration is predicted to be tolerated by in silico analysis. Based on the available evidence, the clinical significance of this variant remains unclear.